The following is an entry in ClinVar:

ClinVar aggregate classification (germline): Conflicting classifications of pathogenicity. Review status: criteria provided, conflicting classifications (1 of 4 stars). 3 submissions from 3 submitters: Uncertain significance (2); Likely benign (1). Last evaluated 2024-10-18.

Conditions:
Cardiovascular phenotype. Identifiers: MedGen CN230736.
Ehlers-Danlos syndrome (EDS). Identifiers: Orphanet 98249, MedGen C0013720, MONDO:0020066.

Allele frequency attached by ClinVar (database versions not stated): gnomAD exomes 0.00003 and 0.00004; gnomAD 0.00004 and 0.00007; TOPMed 0.00004; ExAC 0.00007; 1000 Genomes Project 30x 0.00031; 1000 Genomes Project 0.00040.
gnomAD v4.1: 58 of 1,550,126 alleles (0.0037%); highest among the groups gnomAD compares: Non-Finnish European, 0.0046%; no homozygotes.

Submissions (3):

Ambry Genetics
Classification: Likely benign for Cardiovascular phenotype. Last evaluated: 2024-10-18. Review status: criteria provided, single submitter. Criteria: Ambry Variant Classification Scheme 2023. Collection method: clinical testing. Allele origin: germline.

Labcorp Genetics (formerly Invitae), Labcorp
Classification: Uncertain significance. Last evaluated: 2022-03-20. Review status: criteria provided, single submitter. Criteria: Invitae Variant Classification Sherloc (09022015). Collection method: clinical testing. Allele origin: germline.
Comment: This sequence change replaces arginine, which is basic and polar, with glutamine, which is neutral and polar, at codon 3634 of the ZNF469 protein (p.Arg3634Gln). This variant is present in population databases (rs562527410, gnomAD 0.01%). This variant has not been reported in the literature in individuals affected with ZNF469-related conditions. Algorithms developed to predict the effect of missense changes on protein structure and function (SIFT, PolyPhen-2, Align-GVGD) all suggest that this variant is likely to be tolerated. In summary, the available evidence is currently insufficient to determine the role of this variant in disease. Therefore, it has been classified as a Variant of Uncertain Significance.

Genome Diagnostics Laboratory, The Hospital for Sick Children
Classification: Uncertain significance for Ehlers-Danlos syndrome. Last evaluated: 2022-03-16. Review status: criteria provided, single submitter. Criteria: ACMG Guidelines, 2015. Collection method: clinical testing. Allele origin: germline.

NM_001367624.2(ZNF469):c.10985G>A (p.Arg3662Gln)

Gene: ZNF469 (zinc finger protein 469; plus strand). Cytogenetic location: 16q24.2.
Variant type: single nucleotide variant.
Coding change: c.10985G>A on transcript NM_001367624.2 (MANE Select); coding-DNA position 10985, G replaced by A.
Protein change: p.Arg3662Gln; replaces arginine 3662 with glutamine.
Molecular consequence: missense variant.
Genome position (GRCh38, 1-based): chr16:88,438,455, G>A. VCF-style: chr16-88438455-G-A. GRCh37 (hg19) VCF-style: chr16-88504863-G-A.
Other names: NM_001127464.2:c.10901G>A; NM_001127464.1:c.10901G>A; short protein forms R3662Q.
Identifiers: ClinVar variation 1702110 (VCV001702110.6), dbSNP rs562527410, ClinGen allele CA8225568.